The following is an entry in ClinVar:

ClinVar aggregate classification (germline): Benign/Likely benign. Review status: criteria provided, multiple submitters, no conflicts (2 of 4 stars). 4 submissions from 4 submitters: Benign (1); Likely benign (3). Last evaluated 2025-06-02.

Conditions:
Familial adenomatous polyposis 1 (FAP1). Also called: POLYPOSIS, ADENOMATOUS INTESTINAL; FAMILIAL ADENOMATOUS POLYPOSIS 1, ATTENUATED. Identifiers: MedGen C2713442, MONDO:0021056, OMIM 175100. Disease mechanism: loss of function.
Hereditary cancer-predisposing syndrome. Also called: Hereditary neoplastic syndrome; Neoplastic Syndromes, Hereditary; Tumor predisposition; Hereditary Cancer Syndrome. Identifiers: Orphanet 140162, MedGen C0027672, MeSH D009386, MONDO:0015356.

Allele frequency attached by ClinVar (database versions not stated): TOPMed below 0.00001; ExAC 0.00001; gnomAD exomes 0.00001.
gnomAD v4.1: 11 of 1,611,162 alleles (0.00068%); highest among the groups gnomAD compares: South Asian, 0.012%; no homozygotes.

Submissions (4):

Labcorp Genetics (formerly Invitae), Labcorp
Classification: Likely benign for Familial adenomatous polyposis 1. Last evaluated: 2025-06-02. Review status: criteria provided, single submitter. Criteria: Invitae Variant Classification Sherloc (09022015). Collection method: clinical testing. Allele origin: germline.

Myriad Genetics, Inc.
Classification: Benign for Familial adenomatous polyposis 1. Last evaluated: 2024-04-04. Review status: criteria provided, single submitter. Criteria: Myriad Autosomal Dominant, Autosomal Recessive and X-Linked Classification Criteria (2023). Collection method: clinical testing. Allele origin: unknown.
Comment: This variant is considered benign. This variant is a silent/synonymous amino acid change and it is not expected to impact splicing.

Ambry Genetics
Classification: Likely benign for Hereditary cancer-predisposing syndrome. Last evaluated: 2020-10-15. Review status: criteria provided, single submitter. Criteria: Ambry Variant Classification Scheme 2023. Collection method: clinical testing. Allele origin: germline.

Color Diagnostics, LLC DBA Color Health
Classification: Likely benign for Hereditary cancer-predisposing syndrome. Last evaluated: 2019-05-14. Review status: criteria provided, single submitter. Criteria: ACMG Guidelines, 2015. Collection method: clinical testing. Allele origin: germline.

NM_000038.6(APC):c.6502C>T (p.Leu2168=)

Gene: APC (APC regulator of Wnt signaling pathway; plus strand). Cytogenetic location: 5q22.2.
Variant type: single nucleotide variant.
Coding change: c.6502C>T on transcript NM_000038.6 (MANE Select); coding-DNA position 6502, C replaced by T.
Protein change: p.Leu2168=; no amino-acid change (leucine 2168 retained).
Molecular consequence: synonymous variant.
Genome position (GRCh38, 1-based): chr5:112,842,096, C>T. VCF-style: chr5-112842096-C-T. GRCh37 (hg19) VCF-style: chr5-112177793-C-T.
Other names: c.6502C>T, p.Leu2168= (NM_001127510.3, NM_001354895.2); c.6448C>T, p.Leu2150= (NM_001127511.3); c.6556C>T, p.Leu2186= (NM_001354896.2); c.6532C>T, p.Leu2178= (NM_001354897.2); c.6427C>T, p.Leu2143= (NM_001354898.2); c.6418C>T, p.Leu2140= (NM_001354899.2); c.6379C>T, p.Leu2127= (NM_001354900.2); c.6325C>T, p.Leu2109= (NM_001354901.2); and 5 more.
Identifiers: ClinVar variation 470049 (VCV000470049.17), dbSNP rs767818933, ClinGen allele CA045099.